The following is an entry in ClinVar:

ClinVar aggregate classification (germline): Uncertain significance (1 of 4 stars; one submission).

Conditions:
Hereditary sensory and autonomic neuropathy type 7. Also called: Neuropathy, hereditary sensory and autonomic, type VII; HSAN VII. Identifiers: Orphanet 391397, MedGen C3809882, MONDO:0014244, OMIM 615548.
Familial episodic pain syndrome with predominantly lower limb involvement. Also called: Episodic pain syndrome, familial, 3. Identifiers: Orphanet 391384, Orphanet 391392, MedGen C3809899, MONDO:0014247, OMIM 615552.

Allele frequency attached by ClinVar (database versions not stated): TOPMed below 0.00001; ExAC 0.00001; gnomAD exomes 0.00001.
gnomAD v4.1: 11 of 1,612,874 alleles (0.00068%); highest among the groups gnomAD compares: Non-Finnish European, 0.00068%; no homozygotes.

Submission:

Labcorp Genetics (formerly Invitae), Labcorp
Classification: Uncertain significance for Familial episodic pain syndrome with predominantly lower limb involvement; Hereditary sensory and autonomic neuropathy type 7. Last evaluated: 2024-09-27. Review status: criteria provided, single submitter. Criteria: Invitae Variant Classification Sherloc (09022015). Collection method: clinical testing. Allele origin: germline.
Comment: This sequence change replaces alanine, which is neutral and non-polar, with glutamic acid, which is acidic and polar, at codon 1254 of the SCN11A protein (p.Ala1254Glu). This variant is present in population databases (rs377462369, gnomAD 0.002%). This variant has not been reported in the literature in individuals affected with SCN11A-related conditions. ClinVar contains an entry for this variant (Variation ID: 1469154). An algorithm developed to predict the effect of missense changes on protein structure and function (PolyPhen-2) suggests that this variant is likely to be disruptive. In summary, the available evidence is currently insufficient to determine the role of this variant in disease. Therefore, it has been classified as a Variant of Uncertain Significance.

NM_001349253.2(SCN11A):c.3761C>A (p.Ala1254Glu)

Gene: SCN11A (sodium voltage-gated channel alpha subunit 11; minus strand). Cytogenetic location: 3p22.2.
Variant type: single nucleotide variant.
Coding change: c.3761C>A on transcript NM_001349253.2 (MANE Select); coding-DNA position 3761, C replaced by A.
Protein change: p.Ala1254Glu; replaces alanine 1254 with glutamic acid.
Molecular consequence: missense variant.
Genome position (GRCh38, 1-based): chr3:38,870,743, G>T on the plus strand (C>A on the coding strand, the complement: SCN11A is on the minus strand). VCF-style: chr3-38870743-G-T. GRCh37 (hg19) VCF-style: chr3-38912234-G-T.
Other names: c.3761C>A, p.Ala1254Glu (NM_014139.3); short protein forms A1254E.
Identifiers: ClinVar variation 1469154 (VCV001469154.6), dbSNP rs377462369, ClinGen allele CA2321707.
Genomic context (GRCh38, chr3:38,870,743, plus strand): 5'-TGACTCACCTCTGTGGAATCAACAGCTGCATATATAATATCCATCCAGCCCTTAAATGTT[G>T]CCTGCAACAAAAGCAGAAAAACATGAATAATACAAATGTAGACTTGCCATCAACAGATAC-3'
Protein context (NP_001336182.1, residues 1244-1264): GNAYLALLQV[Ala1254Glu]TFKGWMDIIY